The following is an entry in ClinVar:

NM_000127.3(EXT1):c.949del (p.Thr317fs)

Gene: EXT1 (exostosin glycosyltransferase 1; minus strand). Cytogenetic location: 8q24.11.
Variant type: Deletion.
Coding change: c.949del on transcript NM_000127.3 (MANE Select); coding-DNA position 949, one base deleted (A; older notation c.949delA).
Protein change: p.Thr317fs; shifts the reading frame from threonine 317.
Molecular consequence: frameshift variant.
Genome position (GRCh38, 1-based): chr8:118,110,098, T deleted on the plus strand (A on the coding strand, the reverse complement: EXT1 is on the minus strand). VCF-style (leftmost placement, unchanged base first): chr8-118110097-GT-G. GRCh37 (hg19) VCF-style: chr8-119122336-GT-G.
Other names: short protein forms T317fs.
Identifiers: ClinVar variation 2718588 (VCV002718588.3), dbSNP rs2488050343, ClinGen allele CA2697550118.

ClinVar aggregate classification (germline): Pathogenic (1 of 4 stars; one submission).

Conditions:
Multiple congenital exostosis (EXT). Also called: Hereditary multiple osteochondromas; Hereditary multiple exostoses; Hereditary multiple exostosis; Multiple osteochondromas; MULTIPLE CARTILAGINOUS EXOSTOSES; Multiple exostoses. Identifiers: Orphanet 321, MedGen C0015306, MONDO:0005508, HP:0002762.

Submission:

Labcorp Genetics (formerly Invitae), Labcorp
Classification: Pathogenic for Multiple congenital exostosis. Last evaluated: 2023-06-17. Review status: criteria provided, single submitter. Criteria: Invitae Variant Classification Sherloc (09022015). Collection method: clinical testing. Allele origin: germline.
Comment: This variant has not been reported in the literature in individuals affected with EXT1-related conditions. This variant is not present in population databases (gnomAD no frequency). This sequence change creates a premature translational stop signal (p.Thr317Profs*42) in the EXT1 gene. It is expected to result in an absent or disrupted protein product. Loss-of-function variants in EXT1 are known to be pathogenic (PMID: 10679937, 11391482, 19810120). For these reasons, this variant has been classified as Pathogenic.

Literature cited by the submitters: PubMed 10679937; PubMed 11391482; PubMed 19810120.